The following is an entry in ClinVar:

ClinVar aggregate classification (germline): Uncertain significance. Review status: criteria provided, multiple submitters, no conflicts (2 of 4 stars). 4 submissions from 3 submitters: Uncertain significance (4). Last evaluated 2022-03-15.

Conditions:
Hereditary cancer-predisposing syndrome. Also called: Neoplastic Syndromes, Hereditary; Hereditary Cancer Syndrome; Hereditary neoplastic syndrome; Tumor predisposition. Identifiers: Orphanet 140162, MedGen C0027672, MeSH D009386, MONDO:0015356.
Cardiovascular phenotype. Identifiers: MedGen CN230736.
Neurofibromatosis, type 1 (NF1). Also called: VON RECKLINGHAUSEN DISEASE; Neurofibromatosis, type I; NEUROFIBROMATOSIS, TYPE I, SOMATIC; Peripheral type neurofibromatosis. Identifiers: Orphanet 636, MedGen C0027831, MONDO:0018975, OMIM 162200. Disease mechanism: loss of function.

Allele frequency attached by ClinVar (database versions not stated): gnomAD exomes below 0.00001.
gnomAD v4.1: 1 of 1,613,990 alleles (0.000062%); highest among the groups gnomAD compares: Non-Finnish European, 0.000085%; no homozygotes.

Submissions (4):

Genome-Nilou Lab
Classification: Uncertain significance for Neurofibromatosis, type 1. Last evaluated: 2022-03-15. Review status: criteria provided, single submitter. Criteria: ACMG Guidelines, 2015. Collection method: clinical testing. Allele origin: germline. Affected: no.

Labcorp Genetics (formerly Invitae), Labcorp
Classification: Uncertain significance for Neurofibromatosis, type 1. Last evaluated: 2021-05-12. Review status: criteria provided, single submitter. Criteria: Invitae Variant Classification Sherloc (09022015). Collection method: clinical testing. Allele origin: germline.
Comment: In summary, the available evidence is currently insufficient to determine the role of this variant in disease. Therefore, it has been classified as a Variant of Uncertain Significance. Algorithms developed to predict the effect of sequence changes on RNA splicing suggest that this variant may create or strengthen a splice site, but this prediction has not been confirmed by published transcriptional studies. Algorithms developed to predict the effect of missense changes on protein structure and function do not agree on the potential impact of this missense change (SIFT: "Tolerated"; PolyPhen-2: "Probably Damaging"; Align-GVGD: "Class C0"). This variant has not been reported in the literature in individuals with NF1-related disease. ClinVar contains an entry for this variant (Variation ID: 141081). This variant is not present in population databases (ExAC no frequency). This sequence change replaces histidine with tyrosine at codon 2349 of the NF1 protein (p.His2349Tyr). The histidine residue is moderately conserved and there is a moderate physicochemical difference between histidine and tyrosine.

Ambry Genetics
Classification: Uncertain significance for Cardiovascular phenotype; Hereditary cancer-predisposing syndrome. Last evaluated: 2019-05-14. Review status: criteria provided, single submitter. Criteria: Ambry Variant Classification Scheme 2023. Collection method: clinical testing. Allele origin: germline.

Ambry Genetics
Classification: Uncertain significance for Hereditary cancer-predisposing syndrome. Last evaluated: 2014-01-15. Review status: criteria provided, single submitter. Criteria: Ambry Autosomal Dominant and X-Linked criteria (10/2015). Collection method: clinical testing. Allele origin: germline. Observed: 1 variant allele.
Comment: There is insufficient or conflicting evidence for classification of this alteration.

NM_001042492.3(NF1):c.7108C>T (p.His2370Tyr)

Gene: NF1 (neurofibromin 1; plus strand). Cytogenetic location: 17q11.2.
Variant type: single nucleotide variant.
Coding change: c.7108C>T on transcript NM_001042492.3 (MANE Select); coding-DNA position 7108, C replaced by T.
Protein change: p.His2370Tyr; replaces histidine 2370 with tyrosine.
Molecular consequence: missense variant.
Genome position (GRCh38, 1-based): chr17:31,343,054, C>T. VCF-style: chr17-31343054-C-T. GRCh37 (hg19) VCF-style: chr17-29670072-C-T.
Other names: c.7045C>T, p.His2349Tyr (NM_000267.4); short protein forms H2349Y, H2370Y.
Identifiers: ClinVar variation 141081 (VCV000141081.12), dbSNP rs587781479, ClinGen allele CA164404.